The following is an entry in ClinVar:

ClinVar aggregate classification (germline): Uncertain significance (1 of 4 stars; one submission).

Submission:

Labcorp Genetics (formerly Invitae), Labcorp
Classification: Uncertain significance. Last evaluated: 2022-07-25. Review status: criteria provided, single submitter. Criteria: Invitae Variant Classification Sherloc (09022015). Collection method: clinical testing. Allele origin: germline.
Comment: In summary, the available evidence is currently insufficient to determine the role of this variant in disease. Therefore, it has been classified as a Variant of Uncertain Significance. Algorithms developed to predict the effect of missense changes on protein structure and function are either unavailable or do not agree on the potential impact of this missense change (SIFT: "Tolerated"; PolyPhen-2: "Possibly Damaging"; Align-GVGD: "Class C0"). ClinVar contains an entry for this variant (Variation ID: 943072). This variant has not been reported in the literature in individuals affected with KMT2C-related conditions. This variant is not present in population databases (gnomAD no frequency). This sequence change replaces proline, which is neutral and non-polar, with arginine, which is basic and polar, at codon 14 of the KMT2C protein (p.Pro14Arg).

NM_170606.3(KMT2C):c.41C>G (p.Pro14Arg)

Gene: KMT2C (lysine methyltransferase 2C; minus strand). Cytogenetic location: 7q36.1.
Variant type: single nucleotide variant.
Coding change: c.41C>G on transcript NM_170606.3 (MANE Select); coding-DNA position 41, C replaced by G.
Protein change: p.Pro14Arg; replaces proline 14 with arginine.
Molecular consequence: missense variant.
Genome position (GRCh38, 1-based): chr7:152,435,746, G>C on the plus strand (C>G on the coding strand, the complement: KMT2C is on the minus strand). VCF-style: chr7-152435746-G-C. GRCh37 (hg19) VCF-style: chr7-152132831-G-C.
Other names: short protein forms P14R.
Identifiers: ClinVar variation 943072 (VCV000943072.9), dbSNP rs2097911816, ClinGen allele CA370104566.
Genomic context (GRCh38, chr7:152,435,746, plus strand): 5'-TTGTCTGCGGCTGCGGGGCTCGGGGCCGGGGCTCCAGGCTCCTCGGGGGGTGGTGGCGGC[G>C]GCTGCGGCTGCTCCACGCTCTTGTCCTCCTCCGACGACATCCTAGTCACCAGGAAAGACA-3'
Protein context (NP_733751.2, residues 4-24): EEDKSVEQPQ[Pro14Arg]PPPPPEEPGA